The following is an entry in ClinVar:

NM_024989.4(PGAP1):c.692G>A (p.Arg231Gln)

Gene: PGAP1 (post-GPI attachment to proteins inositol deacylase 1; minus strand). Cytogenetic location: 2q33.1.
Variant type: single nucleotide variant.
Coding change: c.692G>A on transcript NM_024989.4 (MANE Select); coding-DNA position 692, G replaced by A.
Protein change: p.Arg231Gln; replaces arginine 231 with glutamine.
Molecular consequence: missense variant. On other transcripts: 5 prime UTR variant (1).
Genome position (GRCh38, 1-based): chr2:196,902,700, C>T on the plus strand (G>A on the coding strand, the complement: PGAP1 is on the minus strand). VCF-style: chr2-196902700-C-T. GRCh37 (hg19) VCF-style: chr2-197767424-C-T.
Other names: c.170G>A, p.Arg57Gln (NM_001321099.2); c.-420G>A (NM_001321100.2); short protein forms R231Q, R57Q.
Identifiers: ClinVar variation 436296 (VCV000436296.8), dbSNP rs368553507, ClinGen allele CA2041136.

ClinVar aggregate classification (germline): Uncertain significance. Review status: criteria provided, multiple submitters, no conflicts (2 of 4 stars). 2 submissions from 2 submitters: Uncertain significance (2). Last evaluated 2022-06-05.

Conditions:
Intellectual disability, autosomal recessive 42 (NEDDSBA). Also called: Neurodevelopmental disorder with dysmorphic features, spasticity, and brain abnormalities; GLYCOSYLPHOSPHATIDYLINOSITOL BIOSYNTHESIS DEFECT 9. Identifiers: Orphanet 88616, MedGen C4014343, MONDO:0014348, OMIM 615802.

Allele frequency attached by ClinVar (database versions not stated): ExAC 0.00006; ESP Exome Variant Server 0.00008; gnomAD 0.00008 and 0.00009; gnomAD exomes 0.00008; TOPMed 0.00011.
gnomAD v4.1: 128 of 1,611,944 alleles (0.0079%); highest among the groups gnomAD compares: Admixed American, 0.02%; no homozygotes.

Submissions (2):

Labcorp Genetics (formerly Invitae), Labcorp
Classification: Uncertain significance for Intellectual disability, autosomal recessive 42. Last evaluated: 2022-06-05. Review status: criteria provided, single submitter. Criteria: Invitae Variant Classification Sherloc (09022015). Collection method: clinical testing. Allele origin: germline.
Comment: This sequence change replaces arginine, which is basic and polar, with glutamine, which is neutral and polar, at codon 231 of the PGAP1 protein (p.Arg231Gln). This variant is present in population databases (rs368553507, gnomAD 0.02%). This variant has not been reported in the literature in individuals affected with PGAP1-related conditions. ClinVar contains an entry for this variant (Variation ID: 436296). Algorithms developed to predict the effect of missense changes on protein structure and function output the following: SIFT: "Tolerated"; PolyPhen-2: "Benign"; Align-GVGD: "Class C0". The glutamine amino acid residue is found in multiple mammalian species, which suggests that this missense change does not adversely affect protein function. In summary, the available evidence is currently insufficient to determine the role of this variant in disease. Therefore, it has been classified as a Variant of Uncertain Significance.

Genetic Services Laboratory, University of Chicago
Classification: Uncertain significance. Last evaluated: 2016-02-18. Review status: criteria provided, single submitter. Criteria: ACMG Guidelines, 2015. Collection method: clinical testing. Allele origin: germline. Affected: no.